The following is an entry in ClinVar:

NM_001244008.2(KIF1A):c.803G>A (p.Gly268Glu)

Gene: KIF1A (kinesin family member 1A; minus strand). Cytogenetic location: 2q37.3.
Variant type: single nucleotide variant.
Coding change: c.803G>A on transcript NM_001244008.2 (MANE Select); coding-DNA position 803, G replaced by A.
Protein change: p.Gly268Glu; replaces glycine 268 with glutamic acid.
Molecular consequence: missense variant.
Genome position (GRCh38, 1-based): chr2:240,783,105, C>T on the plus strand (G>A on the coding strand, the complement: KIF1A is on the minus strand). VCF-style: chr2-240783105-C-T. GRCh37 (hg19) VCF-style: chr2-241722522-C-T.
Other names: c.803G>A, p.Gly268Glu (NM_001320705.2, NM_001330289.2, NM_001330290.2 and 20 more transcripts); short protein forms G268E.
Identifiers: ClinVar variation 373113 (VCV000373113.4), dbSNP rs1057518226, ClinGen allele CA16042466.
Genomic context (GRCh38, chr2:240,783,105, plus strand): 5'-ATTTCAGCCAGGGCGGAGATGACCTTGCCCAGGGTGGTCAGCGACTTGTTGATGTTGGCC[C>T]CCTCCTGCGGGCAGAAAAGACAGTGGGGTTGGGATGCTGGGGACCCGTGGGGCCTCCTGC-3'
Protein context (NP_001230937.1, residues 258-278): TGAKGTRLKE[Gly268Glu]ANINKSLTTL

ClinVar aggregate classification (germline): Pathogenic/Likely pathogenic. Review status: criteria provided, multiple submitters, no conflicts (2 of 4 stars). 2 submissions from 2 submitters: Pathogenic (1); Likely pathogenic (1). Last evaluated 2023-10-19.

Conditions:
Neuropathy, hereditary sensory, type 2C. Also called: KIF1A-Related HSAN2 (HSAN2C); Hereditary sensory and autonomic neuropathy type IIC. Identifiers: Orphanet 970, MedGen C3280168, MONDO:0013634, OMIM 614213.
Intellectual disability, autosomal dominant 9 (NESCAVS). Also called: NESCAV SYNDROME; KIF1A-Related Neurodevelopmental Disorder. Identifiers: Orphanet 662367, MedGen C5393830, MONDO:0013656, OMIM 614255.
Hereditary spastic paraplegia 30. Identifiers: Orphanet 101010, MedGen C5235139, MONDO:0012476.

Submissions (2):

Labcorp Genetics (formerly Invitae), Labcorp
Classification: Pathogenic for Hereditary spastic paraplegia 30; Neuropathy, hereditary sensory, type 2C; Intellectual disability, autosomal dominant 9. Last evaluated: 2023-10-19. Review status: criteria provided, single submitter. Criteria: Invitae Variant Classification Sherloc (09022015). Collection method: clinical testing. Allele origin: germline.
Comment: This sequence change replaces glycine, which is neutral and non-polar, with glutamic acid, which is acidic and polar, at codon 268 of the KIF1A protein (p.Gly268Glu). This variant is not present in population databases (gnomAD no frequency). This missense change has been observed in individual(s) with clinical features of autosomal dominant hereditary spastic paraplegia (Invitae). In at least one individual the variant was observed to be de novo. ClinVar contains an entry for this variant (Variation ID: 373113). Advanced modeling of protein sequence and biophysical properties (such as structural, functional, and spatial information, amino acid conservation, physicochemical variation, residue mobility, and thermodynamic stability) performed at Invitae indicates that this missense variant is expected to disrupt KIF1A protein function. For these reasons, this variant has been classified as Pathogenic.

GeneDx
Classification: Likely pathogenic. Last evaluated: 2016-11-15. Review status: criteria provided, single submitter. Criteria: GeneDx Variant Classification (06012015). Collection method: clinical testing. Allele origin: germline. Affected: yes.
Comment: The G268E variant in the KIF1A gene has not been reported previously as a pathogenic variant, nor as a benign variant, to our knowledge. The G268E variant was not observed in approximately 6100 individuals of European and African American ancestry in the NHLBI Exome Sequencing Project, indicating it is not a common benign variant in these populations. The G268E variant is a non-conservative amino acid substitution, which is likely to impact secondary protein structure as these residues differ in polarity, charge, size and/or other properties. This substitution occurs at a position that is conserved across species. In silico analysis predicts this variant is probably damaging to the protein structure/function. The G268E variant is located in the motor domain, a functionally important region of the protein (Hamdan et al., 2011). The G268E variant is a strong candidate for a pathogenic variant, however the possibility it may be a rare benign variant cannot be excluded.